The following is an entry in ClinVar:

ClinVar aggregate classification (germline): Benign. Review status: reviewed by expert panel (3 of 4 stars). 16 submissions from 16 submitters: Benign (1). 15 of the submissions do not count toward it. Last evaluated 2022-06-06.

Conditions:
Inborn genetic diseases. Identifiers: MedGen C0950123, MeSH D030342.
Cerebral creatine deficiency syndrome. Also called: Creatine deficiency syndromes. Identifiers: Orphanet 79172, MedGen C5244016, MONDO:0000456.
Deficiency of guanidinoacetate methyltransferase (CCDS2). Also called: GAMT DEFICIENCY; Guanidinoacetate Methyltransferase (GAMT) Deficiency; CEREBRAL CREATINE DEFICIENCY SYNDROME 2. Identifiers: Orphanet 382, MedGen C0574080, MONDO:0012999, OMIM 612736.

Allele frequency attached by ClinVar (database versions not stated): gnomAD 0.06953 and 0.07010; gnomAD exomes 0.07635 and 0.09647; ExAC 0.07554; 1000 Genomes Project 0.03654; TOPMed 0.06395; 1000 Genomes Project 30x 0.03607; ESP Exome Variant Server 0.07121.

Submissions (16):

ClinGen Cerebral Creatine Deficiency Syndromes Variant Curation Expert Panel, ClinGen
Classification: Benign for Deficiency of guanidinoacetate methyltransferase. Last evaluated: 2022-06-06. Review status: reviewed by expert panel. Criteria: ClinGen_CCDS_ACMG_Specifications_GAMT_v1.1. Collection method: curation. Allele origin: germline. Inheritance: Autosomal recessive inheritance.
Comment: The NM_000156.6:c.626C>T variant in GAMT is a missense variant predicted to result in the substitution of threonine for methionine at amino acid 209 (p.Thr209Met). The highest continental population minor allele frequency in gnomAD v2.1.1 is 0.09656 (12354/ 127944 alleles) in the European non-Finnish population, which is higher than the ClinGen CCDS VCEP’s threshold for BA1 (>0.003), and therefore meets this criterion (BA1). There are 987 homozygotes in gnomAD v2.1.1. Given that GAMT deficiency has an early onset, this data supports that the variant does not cause the condition (BS2). The computational predictor REVEL gives a score of 0.313 which is below the threshold of 0.5, evidence that does not predict a damaging effect on GAMT function (BP4). It has been previously reported in a large Italian family (PMID: 12468279), where it did not segregate with AGAT deficiency, including being found in the homozygous state in the father, who was asymptomatic and had normal GAMT enzyme activity. It has also been found in presumed cis with the c.160G>C (p.Ala54Pro) variant in a patient with severe GAMT deficiency, as both parents were heterozygous for both the c.160G>C variant and c.626C>T variant and the patient was homozygous for both variants (PMID: 15108290). In this publication (PMID: 15108290), the c.626C>T was classified as a benign polymorphism due to its high frequency in a group of control individuals screened. It is noted in ClinVar (Variation ID: 21068). In summary, this variant meets the criteria to be classified as benign for GAMT deficiency. GAMT-specific ACMG/AMP codes met, as specified by the ClinGen Cerebral Creatine Deficiency Syndromes VCEP (Specifications Version 1.1.0): BA1, BS2, BP4. (Classification approved by the ClinGen CCDS VCEP on June 6, 2022).

Labcorp Genetics (formerly Invitae), Labcorp
Classification: Benign for Cerebral creatine deficiency syndrome. Last evaluated: 2026-02-04. Review status: criteria provided, single submitter. Criteria: Invitae Variant Classification Sherloc (09022015). Collection method: clinical testing. Allele origin: germline. Not counted in ClinVar's aggregate classification.

Blueprint Genetics
Classification: Likely benign. Last evaluated: 2024-11-28. Review status: criteria provided, single submitter. Criteria: ACMG Guidelines, 2015. Collection method: clinical testing. Allele origin: germline. Not counted in ClinVar's aggregate classification.

Unidad de Genómica Garrahan, Hospital de Pediatría Garrahan
Classification: Benign. Last evaluated: 2024-07-31. Review status: criteria provided, single submitter. Criteria: ACMG Guidelines, 2015. Collection method: clinical testing. Allele origin: germline. Affected: no. Observed: 19 variant alleles. Not counted in ClinVar's aggregate classification.
Comment: This variant is classified as Benign based on local population frequency. This variant was detected in 20% of patients studied in a panel designed for Epileptic and Developmental Encephalopathy, Progressive Myoclonus Epilepsy and Abnormal Movements and Neurodegeneration with brain iron accumulation. Number of patients: 19. Only high quality variants are reported.

Genome-Nilou Lab
Classification: Benign for Deficiency of guanidinoacetate methyltransferase. Last evaluated: 2021-07-10. Review status: criteria provided, single submitter. Criteria: ACMG Guidelines, 2015. Collection method: clinical testing. Allele origin: germline. Affected: no. Not counted in ClinVar's aggregate classification.

ARUP Laboratories, Molecular Genetics and Genomics, ARUP Laboratories
Classification: Benign for Deficiency of guanidinoacetate methyltransferase. Last evaluated: 2021-06-24. Review status: criteria provided, single submitter. Criteria: ARUP Molecular Germline Variant Investigation Process 2021. Collection method: clinical testing. Allele origin: germline. Not counted in ClinVar's aggregate classification.

Women's Health and Genetics/Laboratory Corporation of America, LabCorp
Classification: Benign. Last evaluated: 2018-11-09. Review status: criteria provided, single submitter. Criteria: LabCorp Variant Classification Summary - May 2015. Collection method: clinical testing. Allele origin: germline. Not counted in ClinVar's aggregate classification.
Comment: Variant summary: GAMT c.626C>T (p.Thr209Met) results in a non-conservative amino acid change in the encoded protein sequence. Four of five in-silico tools predict a damaging effect of the variant on protein function. The variant allele was found at a frequency of 0.076 in 273748 control chromosomes in the gnomAD database, including 972 homozygotes. The observed variant frequency is approximately 70 fold of the estimated maximal expected allele frequency for a pathogenic variant in GAMT causing Guanidinoactetate methyltransferase deficiency phenotype (0.0011), strongly suggesting that the variant is benign. To our knowledge, no occurrence of c.626C>T in individuals affected with Guanidinoactetate methyltransferase deficiency has been reported. At least one publication reports experimental evidence evaluating an impact on protein function. These results showed no damaging effect of this variant (Battini 2002). Two clinical diagnostic laboratories have submitted clinical-significance assessments for this variant to ClinVar after 2014 without evidence for independent evaluation, and both laboratories classified the variant as benign (1x)/likely benign(1x). Based on the evidence outlined above, the variant was classified as likely benign.

Illumina Laboratory Services, Illumina
Classification: Benign for Deficiency of guanidinoacetate methyltransferase. Last evaluated: 2018-03-06. Review status: criteria provided, single submitter. Criteria: ICSL Variant Classification Criteria 13 December 2019. Collection method: clinical testing. Allele origin: germline. Not counted in ClinVar's aggregate classification.
Comment: This variant was observed in the ICSL laboratory as part of a predisposition screen in an ostensibly healthy population. It had not been previously curated by ICSL or reported in the Human Gene Mutation Database (HGMD: prior to June 1st, 2018), and was therefore a candidate for classification through an automated scoring system. Utilizing variant allele frequency, disease prevalence and penetrance estimates, and inheritance mode, an automated score was calculated to assess if this variant is too frequent to cause the disease. Based on the score and internal cut-off values, a variant classified as benign is not then subjected to further curation. The score for this variant resulted in a classification of benign for this disease.

Ambry Genetics
Classification: Benign for Inborn genetic diseases. Last evaluated: 2017-02-10. Review status: criteria provided, single submitter. Criteria: Ambry Variant Classification Scheme 2023. Collection method: clinical testing. Allele origin: germline. Not counted in ClinVar's aggregate classification.

GeneDx
Classification: Benign. Last evaluated: 2013-05-28. Review status: criteria provided, single submitter. Criteria: GeneDx Variant Classification (06012015). Collection method: clinical testing. Allele origin: germline. Affected: yes. Not counted in ClinVar's aggregate classification.
Comment: This variant is considered likely benign or benign based on one or more of the following criteria: it is a conservative change, it occurs at a poorly conserved position in the protein, it is predicted to be benign by multiple in silico algorithms, and/or has population frequency not consistent with disease.

Breakthrough Genomics
Classification: Likely benign. Review status: criteria provided, single submitter. Criteria: ACMG Guidelines, 2015. Collection method: not provided. Allele origin: germline. Inheritance: Autosomal recessive inheritance. Affected: yes. Not counted in ClinVar's aggregate classification.

PreventionGenetics, part of Exact Sciences
Classification: Benign. Review status: criteria provided, single submitter. Criteria: ACMG Guidelines, 2015. Collection method: clinical testing. Allele origin: germline. Not counted in ClinVar's aggregate classification.

Natera, Inc.
Classification: Benign for Guanidinoacetate methyltransferase deficiency. Last evaluated: 2020-09-16. Review status: no assertion criteria provided. Collection method: clinical testing. Allele origin: germline. Not counted in ClinVar's aggregate classification.

Mayo Clinic Laboratories, Mayo Clinic
Classification: Benign. Last evaluated: 2016-02-19. Review status: no assertion criteria provided. Collection method: clinical testing. Allele origin: unknown. Not counted in ClinVar's aggregate classification.

GeneReviews
No classification provided. Condition: Deficiency of guanidinoacetate methyltransferase. Review status: no classification provided. Collection method: literature only. Allele origin: unknown. Not counted in ClinVar's aggregate classification.

Genetic Services Laboratory, University of Chicago
Classification: Likely benign for AllHighlyPenetrant. Review status: no assertion criteria provided. Collection method: clinical testing. Allele origin: germline. Inheritance: Autosomal recessive inheritance. Not counted in ClinVar's aggregate classification.
Comment: Likely benign based on allele frequency in 1000 Genomes Project or ESP global frequency and its presence in a patient with a rare or unrelated disease phenotype. NOT Sanger confirmed.

Literature cited by the submitters: PubMed 12468279 (cited by Women's Health and Genetics/Laboratory Corporation of America, LabCorp); PubMed 11978605 (cited by GeneReviews); PubMed 20301745 (cited by GeneReviews); NCBI Bookshelf NBK3794 (cited by GeneReviews).

NM_000156.6(GAMT):c.626C>T (p.Thr209Met)

Gene: GAMT (guanidinoacetate N-methyltransferase; minus strand). Cytogenetic location: 19p13.3.
Variant type: single nucleotide variant.
Coding change: c.626C>T on transcript NM_000156.6 (MANE Select); coding-DNA position 626, C replaced by T.
Protein change: p.Thr209Met; replaces threonine 209 with methionine.
Molecular consequence: missense variant.
Genome position (GRCh38, 1-based): chr19:1,397,444, G>A on the plus strand (C>T on the coding strand, the complement: GAMT is on the minus strand). VCF-style: chr19-1397444-G-A. GRCh37 (hg19) VCF-style: chr19-1397443-G-A.
Other names: p.T209M:ACG>ATG; NM_000156.6(GAMT):c.626C>T; short protein forms T209M.
Identifiers: ClinVar variation 21068 (VCV000021068.39), dbSNP rs17851582, ClinGen allele CA288884.